The following is an entry in ClinVar:

NM_001211.6(BUB1B):c.1090C>A (p.His364Asn)

Gene: BUB1B (BUB1 mitotic checkpoint serine/threonine kinase B; plus strand). Cytogenetic location: 15q15.1.
Variant type: single nucleotide variant.
Coding change: c.1090C>A on transcript NM_001211.6 (MANE Select); coding-DNA position 1090, C replaced by A.
Protein change: p.His364Asn; replaces histidine 364 with asparagine.
Molecular consequence: missense variant.
Genome position (GRCh38, 1-based): chr15:40,196,576, C>A. VCF-style: chr15-40196576-C-A. GRCh37 (hg19) VCF-style: chr15-40488777-C-A.
Other names: short protein forms H364N.
Identifiers: ClinVar variation 3221327 (VCV003221327.1), dbSNP rs2542550292, ClinGen allele CA391686980.

ClinVar aggregate classification (germline): Uncertain significance (1 of 4 stars; one submission).

Conditions:
Inborn genetic diseases. Identifiers: MedGen C0950123, MeSH D030342.

Submission:

Ambry Genetics
Classification: Uncertain significance for Inborn genetic diseases. Last evaluated: 2023-11-17. Review status: criteria provided, single submitter. Criteria: Ambry Variant Classification Scheme 2023. Collection method: clinical testing. Allele origin: germline.
Comment: The p.H364N variant (also known as c.1090C>A), located in coding exon 9 of the BUB1B gene, results from a C to A substitution at nucleotide position 1090. The histidine at codon 364 is replaced by asparagine, an amino acid with similar properties. This amino acid position is conserved. In addition, this alteration is predicted to be tolerated by in silico analysis. Since supporting evidence is limited at this time, the clinical significance of this alteration remains unclear.